The following is an entry in ClinVar:

NM_000194.3(HPRT1):c.653C>G (p.Ala218Gly)

Gene: HPRT1 (hypoxanthine phosphoribosyltransferase 1; plus strand). Cytogenetic location: Xq26.3.
Variant type: single nucleotide variant.
Coding change: c.653C>G on transcript NM_000194.3 (MANE Select); coding-DNA position 653, C replaced by G.
Protein change: p.Ala218Gly; replaces alanine 218 with glycine.
Molecular consequence: missense variant.
Genome position (GRCh38, 1-based): chrX:134,500,073, C>G. VCF-style: chrX-134500073-C-G. GRCh37 (hg19) VCF-style: chrX-133634103-C-G.
Other names: short protein forms A218G.
Identifiers: ClinVar variation 656688 (VCV000656688.7), dbSNP rs1602750635, ClinGen allele CA414716550.

ClinVar aggregate classification (germline): Uncertain significance (1 of 4 stars; one submission).

Conditions:
Lesch-Nyhan syndrome (LNS). Also called: HPRT DEFICIENCY, COMPLETE; Lesch-Nyhan Disease (LND). Identifiers: Orphanet 510, MedGen C0023374, MONDO:0010298, OMIM 300322.
Partial hypoxanthine-guanine phosphoribosyltransferase deficiency. Also called: HPRT1 DEFICIENCY, PARTIAL; Kelley-Seegmiller Syndrome; HPRT DEFICIENCY, PARTIAL; HYPOXANTHINE GUANINE PHOSPHORIBOSYLTRANSFERASE 1 DEFICIENCY, PARTIAL; GOUT, HPRT-RELATED. Identifiers: Orphanet 79233, MedGen C0268117, MONDO:0010299, OMIM 300323.

Submission:

Labcorp Genetics (formerly Invitae), Labcorp
Classification: Uncertain significance for Lesch-Nyhan syndrome; Partial hypoxanthine-guanine phosphoribosyltransferase deficiency. Last evaluated: 2018-09-05. Review status: criteria provided, single submitter. Criteria: Invitae Variant Classification Sherloc (09022015). Collection method: clinical testing. Allele origin: germline.
Comment: This sequence change replaces alanine with glycine at codon 218 of the HPRT1 protein (p.Ala218Gly). The alanine residue is moderately conserved and there is a small physicochemical difference between alanine and glycine. This variant is not present in population databases (ExAC no frequency). This variant has been observed to be hemizygous in brothers affected with X-linked recessive Lesch-Nyhan disease (PMID: 28045594). However, this variant occurred in cis with an upstream truncating variant which was considered the primary cause of disease in that family. Algorithms developed to predict the effect of missense changes on protein structure and function (SIFT, PolyPhen-2, Align-GVGD) all suggest that this variant is likely to be tolerated, but these predictions have not been confirmed by published functional studies and their clinical significance is uncertain. In summary, the available evidence is currently insufficient to determine the role of this variant in disease. Therefore, it has been classified as a Variant of Uncertain Significance.

Literature cited by the submitters: PubMed 28045594.